The following is an entry in ClinVar:

ClinVar aggregate classification (germline): Uncertain significance (1 of 4 stars; one submission).

Conditions:
Deficiency of aromatic-L-amino-acid decarboxylase. Also called: AADC DEFICIENCY; DDC DEFICIENCY; DOPA DECARBOXYLASE DEFICIENCY; Aromatic L-Amino Acid Decarboxylase Deficiency; Aromatic amino acid decarboxylase deficiency. Identifiers: Orphanet 35708, MedGen C1291564, MONDO:0012084, OMIM 608643.

Submission:

Labcorp Genetics (formerly Invitae), Labcorp
Classification: Uncertain significance for Deficiency of aromatic-L-amino-acid decarboxylase. Last evaluated: 2022-07-05. Review status: criteria provided, single submitter. Criteria: Invitae Variant Classification Sherloc (09022015). Collection method: clinical testing. Allele origin: germline.
Comment: This sequence change replaces aspartic acid, which is acidic and polar, with asparagine, which is neutral and polar, at codon 51 of the DDC protein (p.Asp51Asn). This variant is not present in population databases (gnomAD no frequency). This variant has not been reported in the literature in individuals affected with DDC-related conditions. ClinVar contains an entry for this variant (Variation ID: 1354188). Algorithms developed to predict the effect of missense changes on protein structure and function are either unavailable or do not agree on the potential impact of this missense change (SIFT: "Deleterious"; PolyPhen-2: "Benign"; Align-GVGD: "Class C0"). In summary, the available evidence is currently insufficient to determine the role of this variant in disease. Therefore, it has been classified as a Variant of Uncertain Significance.

NM_001082971.2(DDC):c.151G>A (p.Asp51Asn)

Gene: DDC (dopa decarboxylase; minus strand). Cytogenetic location: 7p12.1.
Variant type: single nucleotide variant.
Coding change: c.151G>A on transcript NM_001082971.2 (MANE Select); coding-DNA position 151, G replaced by A.
Protein change: p.Asp51Asn; replaces aspartic acid 51 with asparagine.
Molecular consequence: missense variant.
Genome position (GRCh38, 1-based): chr7:50,543,935, C>T on the plus strand (G>A on the coding strand, the complement: DDC is on the minus strand). VCF-style: chr7-50543935-C-T. GRCh37 (hg19) VCF-style: chr7-50611633-C-T.
Other names: c.151G>A, p.Asp51Asn (NM_000790.4, NM_001242886.2, NM_001242887.2 and 3 more transcripts); short protein forms D51N.
Identifiers: ClinVar variation 1354188 (VCV001354188.6), dbSNP rs2153550405, ClinGen allele CA367531660.